The following is an entry in ClinVar:

NM_000053.4(ATP7B):c.3649_3654del (p.Val1217_Leu1218del)

Gene: ATP7B (ATPase copper transporting beta; minus strand). Cytogenetic location: 13q14.3.
Variant type: Deletion.
Coding change: c.3649_3654del on transcript NM_000053.4 (MANE Select); coding-DNA positions 3649 to 3654, 6 bases deleted (GTTCTG; older notation c.3649_3654delGTTCTG).
Protein change: p.Val1217_Leu1218del.
Molecular consequence: inframe deletion.
Genome position (GRCh38, 1-based): chr13:51,939,096-51,939,101, CAGAAC deleted on the plus strand (GTTCTG on the coding strand, the reverse complement: ATP7B is on the minus strand); deleting any 6 consecutive bases within chr13:51,939,096-51,939,103 gives the same sequence; the c. name uses the placement nearest the transcript's 3' end. VCF-style (leftmost placement, unchanged base first): chr13-51939095-TCAGAAC-T. GRCh37 (hg19) VCF-style: chr13-52513231-TCAGAAC-T.
Other names: p.Val1217_Leu1218del; c.3649_3654del (NM_000053.3); c.3028_3033del, p.Val1010_Leu1011del (NM_001005918.3); c.3316_3321del, p.Val1106_Leu1107del (NM_001243182.2); c.3415_3420del, p.Val1139_Leu1140del (NM_001330578.2); c.3397_3402del, p.Val1133_Leu1134del (NM_001330579.2); c.3649_3654delGTTCTG (NM_000053.4, NM_000053.3).
Identifiers: ClinVar variation 189015 (VCV000189015.70), dbSNP rs781266802, ClinGen allele CA274259.

ClinVar aggregate classification (germline): Pathogenic/Likely pathogenic. Review status: criteria provided, multiple submitters, no conflicts (2 of 4 stars). 15 submissions from 15 submitters: Pathogenic (10); Likely pathogenic (4). 1 of the submissions does not count toward it. Last evaluated 2026-05-01.

Conditions:
ATP7B-related disorder. Also called: ATP7B-related condition.
Wilson disease (WND). Also called: Wilson's disease. Identifiers: Orphanet 905, MedGen C0019202, MONDO:0010200, OMIM 277900. Disease mechanism: loss of function.

Submissions 1 to 13 of 15:

Women's Health and Genetics/Laboratory Corporation of America, LabCorp
Classification: Pathogenic for Wilson disease. Last evaluated: 2026-05-01. Review status: criteria provided, single submitter. Criteria: LabCorp Variant Classification Summary - May 2015. Collection method: clinical testing. Allele origin: germline.
Comment: Variant summary: ATP7B c.3649_3654delGTTCTG (p.Val1217_Leu1218del), also known as 3648del6, results in an in-frame deletion that is predicted to remove two amino acids from the encoded protein. The variant allele was found at a frequency of 3.6e-05 in 249600 control chromosomes. c.3649_3654delGTTCTG has been observed in multiple individuals affected with Wilson Disease (Thomas_1995, Kemppainen_1997, Kalinsky_1998, Vrabelova_2005). These data indicate that the variant is very likely to be associated with disease. To our knowledge, no experimental evidence demonstrating an impact on protein function has been reported. The following publications have been ascertained in the context of this evaluation (PMID: 7626145, 18371106, 15967699, 9482578, 8980283). ClinVar contains an entry for this variant (Variation ID: 189015). Based on the evidence outlined above, the variant was classified as pathogenic.

Labcorp Genetics (formerly Invitae), Labcorp
Classification: Pathogenic for Wilson disease. Last evaluated: 2026-01-20. Review status: criteria provided, single submitter. Criteria: Invitae Variant Classification Sherloc (09022015). Collection method: clinical testing. Allele origin: germline.
Comment: This variant, c.3649_3654del, results in the deletion of 2 amino acid(s) of the ATP7B protein (p.Val1217_Leu1218del), but otherwise preserves the integrity of the reading frame. This variant is present in population databases (rs781266802, gnomAD 0.02%). This variant has been observed in individual(s) with Wilson disease (PMID: 8980283, 9482578, 17154398, 17272994, 19118915). This variant is also known as 3648del6. ClinVar contains an entry for this variant (Variation ID: 189015). For these reasons, this variant has been classified as Pathogenic.

CeGaT Center for Human Genetics Tuebingen
Classification: Pathogenic. Last evaluated: 2025-12-01. Review status: criteria provided, single submitter. Criteria: CeGaT Center For Human Genetics Tuebingen Variant Classification Criteria Version 2. Collection method: clinical testing. Allele origin: germline. Affected: yes. Observed: 4 variant alleles.
Comment: ATP7B: PM3:Strong, PM1, PM2, PM4

Color Diagnostics, LLC DBA Color Health
Classification: Likely pathogenic for Wilson disease. Last evaluated: 2025-10-06. Review status: criteria provided, single submitter. Criteria: ACMG Guidelines, 2015. Collection method: clinical testing. Allele origin: germline.
Comment: This variant causes an in-frame deletion of two amino acids in exon 17 of the ATP7B protein. This variant is also known as 3648del6 in the literature. Although functional studies have not been reported, this variant disrupts two conserved amino acids in the Phosphorylation (P) domain (a.a. 1004-1031, 1197-1312) of the ATP7B protein that is involved in ATP hydrolysis, a highly conserved region that is considered to be important for ATP7B protein function (PMID: 35245129ClinVar). This variant has been reported in over 15 individuals affected with Wilson disease (PMID: 7626145, 8980283, 9482578, 16207219, 16234011, 17154398, 17272994, 19118915, 19596473, 20082719, 22677543, 25014046, 31708252, 34400371). In several of these individuals, this variant was confirmed to be in the compound heterozygous state or homozygous state (PMID: 9482578, 17272994, 19118915). This variant has been identified in 9/249600 chromosomes in the general population by the Genome Aggregation Database (gnomAD). Based on the available evidence, this variant is classified as Likely Pathogenic.

GeneDx
Classification: Likely pathogenic. Last evaluated: 2025-07-11. Review status: criteria provided, single submitter. Criteria: GeneDx Variant Classification Process June 2021. Collection method: clinical testing. Allele origin: germline. Affected: yes.
Comment: Observed in apparent homozygous state in patients with Wilson disease in the literature and not observed in homozygous state in controls (PMID: 19118915, 9482578); In-frame deletion of 2 amino acids in a non-repeat region; Not observed at significant frequency in large population cohorts (gnomAD); This variant is associated with the following publications: (PMID: 34400371, 8980283, 17272994, 31708252, 9482578, 7626145, 17154398, 19118915)

Natera, Inc.
Classification: Pathogenic for Wilson disease. Last evaluated: 2024-12-09. Review status: criteria provided, single submitter. Criteria: Natera Variant Classification Schema (03/2026). Collection method: clinical testing. Allele origin: germline.
Comment: The c.3649_3654delGTTCTG variant in ATP7B is an in-frame deletion. This variant is rare in the general population with a frequency below the threshold expected for the associated phenotype(s). This variant has been observed in one or more individuals affected with the associated recessive disease, as either homozygous or compound heterozygous with a second variant (PMID: 19596473, 17272994, 17154398, 8980283). Additionally, this variant has been observed to segregate in affected family members (PMID: 31708252). This variant results in a change to the protein length while preserving reading frame, which may disrupt normal protein structure or function. Computational prediction algorithms indicate this variant is likely to affect gene or protein function. Given the available evidence, this variant is classified as Pathogenic.

Lildballe Lab, Aarhus University Hospital
Classification: Pathogenic for Wilson disease. Last evaluated: 2024-08-29. Review status: criteria provided, single submitter. Criteria: ACMG Guidelines, 2015. Collection method: clinical testing. Allele origin: germline. Affected: yes.
Comment: PP5, PM1,PM4, PM2

All of Us Research Program, National Institutes of Health
Classification: Likely pathogenic for Wilson disease. Last evaluated: 2024-08-06. Review status: criteria provided, single submitter. Criteria: ACMG Guidelines, 2015. Collection method: clinical testing. Allele origin: germline. Inheritance: Autosomal recessive inheritance. Observed: 7 variant alleles, 7 heterozygotes.
Comment: This variant causes an in-frame deletion of two amino acids (p.Val1217_Leu1218del) in exon 17 of the ATP7B protein. This variant is also known as 3648del6 in the literature. Although functional studies have not been reported, this variant disrupts two conserved amino acids in the Phosphorylation (P) domain (a.a. 1004-1031, 1197-1312) of the ATP7B protein that is involved in the ATP hydrolysis, a highly conserved region that is considered to be important for ATP7B protein function (PMID: 35245129; ClinVar). This variant has been reported in over 15 individuals affected with Wilson disease (PMID: 7626145, 8980283, 9482578, 16207219, 16234011, 17154398, 17272994, 19118915, 19596473, 20082719, 22677543, 25014046, 31708252, 34400371). In several of these individuals, this variant was reported in the compound heterozygous state and homozygous state (PMID: 9482578, 17272994, 19118915). This variant has been identified in 9/249600 chromosomes in the general population by the Genome Aggregation Database (gnomAD). Based on the available evidence, this variant is classified as Likely Pathogenic.

This study involves interpretation of variants in research participants for the purpose of population health screening. Participant phenotype was not available at the time of variant classification. Additional details can be found in publication PMID: 35346344, PMCID: PMC8962531

Fulgent Genetics
Classification: Likely pathogenic for Wilson disease. Last evaluated: 2024-06-21. Review status: criteria provided, single submitter. Criteria: ACMG Guidelines, 2015. Collection method: clinical testing. Allele origin: germline.

Baylor Genetics
Classification: Pathogenic for Wilson disease. Last evaluated: 2023-07-25. Review status: criteria provided, single submitter. Criteria: ACMG Guidelines, 2015. Collection method: clinical testing. Allele origin: unknown.

Blueprint Genetics
Classification: Pathogenic for ATP7B-related disorders. Last evaluated: 2023-04-25. Review status: criteria provided, single submitter. Criteria: ACMG Guidelines, 2015. Collection method: clinical testing. Allele origin: germline. Affected: yes. Observed: 4 variant alleles.

Mayo Clinic Laboratories, Mayo Clinic
Classification: Pathogenic. Last evaluated: 2022-03-28. Review status: criteria provided, single submitter. Criteria: ACMG Guidelines, 2015. Collection method: clinical testing. Allele origin: germline. Observed: 1 variant allele.
Comment: PP4, PM2, PM3_strong, PM4, PS4_moderate

Genome-Nilou Lab
Classification: Pathogenic for Wilson disease. Last evaluated: 2021-08-10. Review status: criteria provided, single submitter. Criteria: ACMG Guidelines, 2015. Collection method: clinical testing. Allele origin: germline. Affected: no.